The following is an entry in ClinVar:

NM_001848.3(COL6A1):c.474C>T (p.Asp158=)

Gene: COL6A1 (collagen type VI alpha 1 chain; plus strand). Cytogenetic location: 21q22.3.
Variant type: single nucleotide variant.
Coding change: c.474C>T on transcript NM_001848.3 (MANE Select); coding-DNA position 474, C replaced by T.
Protein change: p.Asp158=; no amino-acid change (aspartic acid 158 retained).
Molecular consequence: synonymous variant.
Genome position (GRCh38, 1-based): chr21:45,986,571, C>T. VCF-style: chr21-45986571-C-T. GRCh37 (hg19) VCF-style: chr21-47406485-C-T.
Identifiers: ClinVar variation 1111799 (VCV001111799.20), dbSNP rs773280332, ClinGen allele CA10069588.

ClinVar aggregate classification (germline): Likely benign. Review status: criteria provided, multiple submitters, no conflicts (2 of 4 stars). 2 submissions from 2 submitters: Likely benign (2). Last evaluated 2025-08-03.

Conditions:
Bethlem myopathy 1A. Also called: Bethlem myopathy 1; Bethlem Muscular Dystrophy; MYOPATHY, BENIGN CONGENITAL, WITH CONTRACTURES. Identifiers: Orphanet 610, MedGen CN029274, MONDO:0024530, OMIM 158810.

Allele frequency attached by ClinVar (database versions not stated): gnomAD exomes 0.00004 and 0.00008; gnomAD 0.00007 and 0.00008; TOPMed 0.00008; ExAC 0.00026.
gnomAD v4.1: 68 of 1,565,486 alleles (0.0043%); highest among the groups gnomAD compares: Middle Eastern, 0.017%; no homozygotes.

Submissions (2):

Labcorp Genetics (formerly Invitae), Labcorp
Classification: Likely benign for Bethlem myopathy 1A. Last evaluated: 2025-08-03. Review status: criteria provided, single submitter. Criteria: Invitae Variant Classification Sherloc (09022015). Collection method: clinical testing. Allele origin: germline.

CeGaT Center for Human Genetics Tuebingen
Classification: Likely benign. Last evaluated: 2025-06-01. Review status: criteria provided, single submitter. Criteria: CeGaT Center For Human Genetics Tuebingen Variant Classification Criteria Version 2. Collection method: clinical testing. Allele origin: germline. Affected: yes. Observed: 1 variant allele.
Comment: COL6A1: BP4, BP7